The following is an entry in ClinVar:

ClinVar aggregate classification (germline): Uncertain significance (1 of 4 stars; one submission).

Allele frequency attached by ClinVar (database versions not stated): gnomAD exomes 0.00001.
gnomAD v4.1: 6 of 1,612,406 alleles (0.00037%); highest among the groups gnomAD compares: Non-Finnish European, 0.00042%; no homozygotes.

Submission:

Labcorp Genetics (formerly Invitae), Labcorp
Classification: Uncertain significance. Last evaluated: 2025-03-04. Review status: criteria provided, single submitter. Criteria: Invitae Variant Classification Sherloc (09022015). Collection method: clinical testing. Allele origin: germline.
Comment: This sequence change replaces leucine, which is neutral and non-polar, with valine, which is neutral and non-polar, at codon 836 of the DCHS1 protein (p.Leu836Val). This variant is not present in population databases (gnomAD no frequency). This variant has not been reported in the literature in individuals affected with DCHS1-related conditions. ClinVar contains an entry for this variant (Variation ID: 2813223). Invitae Evidence Modeling of protein sequence and biophysical properties (such as structural, functional, and spatial information, amino acid conservation, physicochemical variation, residue mobility, and thermodynamic stability) indicates that this missense variant is not expected to disrupt DCHS1 protein function with a negative predictive value of 95%. In summary, the available evidence is currently insufficient to determine the role of this variant in disease. Therefore, it has been classified as a Variant of Uncertain Significance.

NM_003737.4(DCHS1):c.2506C>G (p.Leu836Val)

Gene: DCHS1 (dachsous cadherin-related 1; minus strand). Cytogenetic location: 11p15.4.
Variant type: single nucleotide variant.
Coding change: c.2506C>G on transcript NM_003737.4 (MANE Select); coding-DNA position 2506, C replaced by G.
Protein change: p.Leu836Val; replaces leucine 836 with valine.
Molecular consequence: missense variant.
Genome position (GRCh38, 1-based): chr11:6,633,006, G>C on the plus strand (C>G on the coding strand, the complement: DCHS1 is on the minus strand). VCF-style: chr11-6633006-G-C. GRCh37 (hg19) VCF-style: chr11-6654237-G-C.
Other names: short protein forms L836V.
Identifiers: ClinVar variation 2813223 (VCV002813223.3), dbSNP rs1855936003, ClinGen allele CA379421139.